The following is an entry in ClinVar:

ClinVar aggregate classification (germline): Pathogenic/Likely pathogenic. Review status: criteria provided, multiple submitters, no conflicts (2 of 4 stars). 2 submissions from 2 submitters: Pathogenic (1); Likely pathogenic (1). Last evaluated 2026-05-15.

Conditions:
Familial thoracic aortic aneurysm and aortic dissection (TAAD). Also called: Thoracic aortic aneurysms and dissections. Identifiers: Orphanet 91387, MedGen C4707243, MONDO:0019625.
Marfan syndrome (MFS). Also called: MARFAN SYNDROME, TYPE I; Marfan syndrome type 1; Marfan's syndrome; Marfan syndrome, classic; FBN1-Related Marfan Syndrome. Identifiers: Orphanet 284963, Orphanet 558, MedGen C0024796, MONDO:0007947, OMIM 154700.

Submissions (2):

Ambry Genetics
Classification: Likely pathogenic for Familial thoracic aortic aneurysm and aortic dissection. Last evaluated: 2026-05-15. Review status: criteria provided, single submitter. Criteria: Ambry Variant Classification Scheme 2023. Collection method: clinical testing. Allele origin: germline.
Comment: The c.5422+452C>T intronic alteration consists of a C to T substitution 452 nucleotides after exon 44 (coding exon 43) in the FBN1 gene. This variant was not reported in population-based cohorts in the Genome Aggregation Database (gnomAD). This variant was reported in individual(s) with features consistent with Marfan syndrome (Walker, 2025). This nucleotide position is highly conserved in available vertebrate species. RNA studies have demonstrated that this variant results in abnormal splicing in the set of samples tested (Walker, 2025; Ambry internal data). In silico splice site analysis predicts that this alteration will result in the creation or strengthening of a novel splice donor site. Based on the available evidence, this alteration is classified as likely pathogenic.

Clinical and Biomedical Sciences, University of Exeter
Classification: Pathogenic for Marfan syndrome. Last evaluated: 2025-02-28. Review status: criteria provided, single submitter. Criteria: ACMG Guidelines, 2015. Collection method: clinical testing. Allele origin: germline. Affected: yes. Study: 100,000 Genomes Project.
Comment: Minigene assay confirms 74bp pseudoexon r.5422_5423ins74, p.(Ile1809ArgfsTer8) which matches prediction.

Literature cited by the submitters: PubMed 40476350 (cited by Ambry Genetics).

NM_000138.5(FBN1):c.5422+452C>T

Gene: FBN1 (fibrillin 1; minus strand). Cytogenetic location: 15q21.1.
Variant type: single nucleotide variant.
Coding change: c.5422+452C>T on transcript NM_000138.5 (MANE Select); 452 bases into the intron after coding-DNA position 5422, C replaced by T.
Molecular consequence: intron variant.
Genome position (GRCh38, 1-based): chr15:48,456,185, G>A on the plus strand (C>T on the coding strand, the complement: FBN1 is on the minus strand). VCF-style: chr15-48456185-G-A. GRCh37 (hg19) VCF-style: chr15-48748382-G-A.
Other names: c.5422+452C>T (NM_001406716.1, NM_000138.4).
Identifiers: ClinVar variation 3769614 (VCV003769614.2).